The following is an entry in ClinVar:

NM_020066.5(FMN2):c.177G>T (p.Gly59=)

Gene: FMN2 (formin 2; plus strand). Cytogenetic location: 1q43.
Variant type: single nucleotide variant.
Coding change: c.177G>T on transcript NM_020066.5 (MANE Select); coding-DNA position 177, G replaced by T.
Protein change: p.Gly59=; no amino-acid change (glycine 59 retained).
Molecular consequence: synonymous variant.
Genome position (GRCh38, 1-based): chr1:240,092,286, G>T. VCF-style: chr1-240092286-G-T. GRCh37 (hg19) VCF-style: chr1-240255586-G-T.
Other names: c.177G>T, p.Gly59= (NM_001305424.2, NM_001348094.2).
Identifiers: ClinVar variation 2640126 (VCV002640126.24), dbSNP rs756756480, ClinGen allele CA1476103.
Genomic context (GRCh38, chr1:240,092,286, plus strand): 5'-CGGGGGCAAGAAGGCGCTAGGCAAGCACGGCAAGGGGGGAGGGGGCGGCGGCGGCGGCGG[G>T]GAGTCGGGCAAGAAGAAGAGCAAGTCCGACTCCAGAGCCTCGGTGTTTTCCAACCTGCGG-3'
Protein context (NP_064450.3, residues 49-69): GKGGGGGGGG[Gly59=]ESGKKKSKSD

ClinVar aggregate classification (germline): Likely benign (1 of 4 stars; one submission).

Allele frequency attached by ClinVar (database versions not stated): ExAC 0.00002; gnomAD 0.00003; TOPMed 0.00006.
gnomAD v4.1: 17 of 1,585,464 alleles (0.0011%); highest among the groups gnomAD compares: African/African-American, 0.022%; no homozygotes.

Submission:

CeGaT Center for Human Genetics Tuebingen
Classification: Likely benign. Last evaluated: 2023-09-01. Review status: criteria provided, single submitter. Criteria: CeGaT Center For Human Genetics Tuebingen Variant Classification Criteria Version 2. Collection method: clinical testing. Allele origin: germline. Affected: yes. Observed: 1 variant allele.
Comment: FMN2: BP4, BP7